The following is an entry in ClinVar:

ClinVar aggregate classification (germline): Uncertain significance (1 of 4 stars; one submission).

Conditions:
Gastrointestinal stromal tumor. Also called: Gastrointestinal stromal tumor, somatic; Gastrointestinal stroma tumor. Identifiers: Orphanet 44890, MedGen C0238198, MeSH D046152, MONDO:0011719, OMIM 606764, HP:0100723.

Submission:

Labcorp Genetics (formerly Invitae), Labcorp
Classification: Uncertain significance for Gastrointestinal stromal tumor. Last evaluated: 2025-12-24. Review status: criteria provided, single submitter. Criteria: Invitae Variant Classification Sherloc (09022015). Collection method: clinical testing. Allele origin: germline.
Comment: This sequence change replaces glutamine, which is neutral and polar, with lysine, which is basic and polar, at codon 968 of the KIT protein (p.Gln968Lys). This variant is not present in population databases (gnomAD no frequency). This variant has not been reported in the literature in individuals affected with KIT-related conditions. An algorithm developed to predict the effect of missense changes on protein structure and function (PolyPhen-2) suggests that this variant is likely to be disruptive. In summary, the available evidence is currently insufficient to determine the role of this variant in disease. Therefore, it has been classified as a Variant of Uncertain Significance.

NM_000222.3(KIT):c.2902C>A (p.Gln968Lys)

Gene: KIT (KIT proto-oncogene, receptor tyrosine kinase; plus strand). Cytogenetic location: 4q12.
Variant type: single nucleotide variant.
Coding change: c.2902C>A on transcript NM_000222.3 (MANE Select); coding-DNA position 2902, C replaced by A.
Protein change: p.Gln968Lys; replaces glutamine 968 with lysine.
Molecular consequence: missense variant.
Genome position (GRCh38, 1-based): chr4:54,738,528, C>A. VCF-style: chr4-54738528-C-A. GRCh37 (hg19) VCF-style: chr4-55604694-C-A.
Other names: c.2890C>A, p.Gln964Lys (NM_001093772.2, NM_001385292.1); c.2905C>A, p.Gln969Lys (NM_001385284.1); c.2899C>A, p.Gln967Lys (NM_001385285.1); c.2887C>A, p.Gln963Lys (NM_001385286.1); c.2893C>A, p.Gln965Lys (NM_001385288.1); c.2902C>A, p.Gln968Lys (NM_001385290.1); short protein forms Q963K, Q964K, Q968K, Q965K, Q967K, Q969K.
Identifiers: ClinVar variation 4734074 (VCV004734074.1).